The following is an entry in ClinVar:

NM_001077365.2(POMT1):c.464dup (p.Leu155fs)

Gene: POMT1 (protein O-mannosyltransferase 1; plus strand). Cytogenetic location: 9q34.13.
Variant type: Duplication.
Coding change: c.464dup on transcript NM_001077365.2 (MANE Select); coding-DNA position 464, one base duplicated (T; older notation c.464dupT).
Protein change: p.Leu155fs; shifts the reading frame from leucine 155.
Molecular consequence: frameshift variant. On other transcripts: 5 prime UTR variant (1), non-coding transcript variant (8).
Genome position (GRCh38, 1-based): chr9:131,508,947, T duplicated; the last of 4 consecutive T bases (chr9:131,508,944-131,508,947); duplicating any one gives the same sequence. VCF-style (leftmost placement, unchanged base first): chr9-131508943-C-CT. GRCh37 (hg19) VCF-style: chr9-134384330-C-CT.
Other names: c.302dup, p.Leu101fs (NM_001077366.2, NM_001353194.2, NM_001353197.2 and 3 more transcripts); c.464dup, p.Leu155fs (NM_001136113.2, NM_001353193.2, NM_001374690.1 and 1 more transcripts); c.113dup, p.Leu38fs (NM_001136114.2, NM_001353195.2, NM_001353199.2 and 2 more transcripts); c.374dup, p.Leu125fs (NM_001353196.2); c.8dup, p.Leu3fs (NM_001353200.2, NM_001374695.1); c.-673dup (NM_001411024.1); short protein forms L101fs, L125fs, L155fs, L38fs, L3fs.
Identifiers: ClinVar variation 3754670 (VCV003754670.2).

ClinVar aggregate classification (germline): Pathogenic (1 of 4 stars; one submission).

Conditions:
Muscular dystrophy-dystroglycanopathy (congenital with impaired intellectual development), type B, 1. Also called: MUSCULAR DYSTROPHY, CONGENITAL, POMT1-RELATED; Muscular dystrophy-dystroglycanopathy (congenital with intellectual disability), type B1. Identifiers: MedGen C5436962, MONDO:0013159, OMIM 613155.
Walker-Warburg congenital muscular dystrophy. Also called: Muscular dystrophy-dystroglycanopathy, type A; Walker-Warburg syndrome. Identifiers: Orphanet 899, MedGen C0265221, MONDO:0000171.
Autosomal recessive limb-girdle muscular dystrophy type 2K. Also called: MUSCULAR DYSTROPHY-DYSTROGLYCANOPATHY (LIMB-GIRDLE), TYPE C, 1; MUSCULAR DYSTROPHY, LIMB-GIRDLE, TYPE 2K. Identifiers: Orphanet 86812, MedGen C1836373, MONDO:0012248, OMIM 609308.

Submission:

Labcorp Genetics (formerly Invitae), Labcorp
Classification: Pathogenic for Muscular dystrophy-dystroglycanopathy (congenital with impaired intellectual development), type B, 1; Walker-Warburg congenital muscular dystrophy; Autosomal recessive limb-girdle muscular dystrophy type 2K. Last evaluated: 2024-02-15. Review status: criteria provided, single submitter. Criteria: Invitae Variant Classification Sherloc (09022015). Collection method: clinical testing. Allele origin: germline.
Comment: This sequence change creates a premature translational stop signal (p.Leu155Phefs*83) in the POMT1 gene. It is expected to result in an absent or disrupted protein product. Loss-of-function variants in POMT1 are known to be pathogenic (PMID: 12369018, 15637732, 16575835). This variant is not present in population databases (gnomAD no frequency). This variant has not been reported in the literature in individuals affected with POMT1-related conditions. For these reasons, this variant has been classified as Pathogenic.

Literature cited by the submitters: PubMed 12369018; PubMed 15637732; PubMed 16575835.